The following is an entry in ClinVar:

NM_001429.4(EP300):c.2989A>G (p.Ile997Val)

Genes: EP300 (EP300 lysine acetyltransferase; plus strand), LOC126863158 (BRD4-independent group 4 enhancer GRCh37_chr22:41547383-41548582; plus strand). Cytogenetic location: 22q13.2.
Variant type: single nucleotide variant.
Coding change: c.2989A>G on transcript NM_001429.4 (MANE Select); coding-DNA position 2989, A replaced by G.
Protein change: p.Ile997Val; replaces isoleucine 997 with valine.
Molecular consequence: missense variant.
Genome position (GRCh38, 1-based): chr22:41,152,004, A>G. VCF-style: chr22-41152004-A-G. GRCh37 (hg19) VCF-style: chr22-41548008-A-G.
Other names: c.2911A>G, p.Ile971Val (NM_001362843.2); short protein forms I997V, I971V.
Identifiers: ClinVar variation 93736 (VCV000093736.26), dbSNP rs20551, ClinGen allele CA147264.

ClinVar aggregate classification (germline): Benign. Review status: criteria provided, multiple submitters, no conflicts (2 of 4 stars). 10 submissions from 9 submitters: Benign (9). 1 of the submissions does not count toward it. Last evaluated 2026-02-04.

Conditions:
Menke-Hennekam syndrome 2 (MKHK2). Identifiers: MedGen C5193035, MONDO:0020769, OMIM 618333.
Rubinstein-Taybi syndrome due to EP300 haploinsufficiency. Also called: EP300-Related Rubinstein-Taybi Syndrome; RUBINSTEIN-TAYBI SYNDROME 2. Identifiers: Orphanet 353284, Orphanet 783, MedGen C3150941, MONDO:0013364, OMIM 613684.

Allele frequency attached by ClinVar (database versions not stated): gnomAD exomes 0.28896 and 0.30985; ESP Exome Variant Server 0.20583; 1000 Genomes Project 30x 0.22642; gnomAD 0.22920 and 0.22427; TOPMed 0.23424; ExAC 0.29593; 1000 Genomes Project 0.22344.
gnomAD v4.1: 456,999 of 1,613,848 alleles (28%); highest among the groups gnomAD compares: Admixed American, 54%; 71,539 homozygotes.

Submissions (10):

Labcorp Genetics (formerly Invitae), Labcorp
Classification: Benign for Rubinstein-Taybi syndrome due to EP300 haploinsufficiency. Last evaluated: 2026-02-04. Review status: criteria provided, single submitter. Criteria: Invitae Variant Classification Sherloc (09022015). Collection method: clinical testing. Allele origin: germline.

Blueprint Genetics
Classification: Benign. Last evaluated: 2024-11-28. Review status: criteria provided, single submitter. Criteria: ACMG Guidelines, 2015. Collection method: clinical testing. Allele origin: germline.

Genome-Nilou Lab
Classification: Benign for Menke-Hennekam syndrome 2. Last evaluated: 2021-07-30. Review status: criteria provided, single submitter. Criteria: ACMG Guidelines, 2015. Collection method: clinical testing. Allele origin: germline. Affected: no.

Genome-Nilou Lab
Classification: Benign for Rubinstein-Taybi syndrome due to EP300 haploinsufficiency. Last evaluated: 2021-07-30. Review status: criteria provided, single submitter. Criteria: ACMG Guidelines, 2015. Collection method: clinical testing. Allele origin: germline. Affected: no.

GeneDx
Classification: Benign. Last evaluated: 2018-07-17. Review status: criteria provided, single submitter. Criteria: GeneDx Variant Classification Process June 2021. Collection method: clinical testing. Allele origin: germline. Affected: yes.
Comment: This variant is associated with the following publications: (PMID: 22231458)

Eurofins Ntd Llc (ga)
Classification: Benign. Last evaluated: 2014-06-10. Review status: criteria provided, single submitter. Criteria: EGL Classification Definitions 2015. Collection method: clinical testing. Allele origin: germline. Observed: 10 variant alleles, 9 heterozygotes, 1 homozygote.

Genetic Services Laboratory, University of Chicago
Classification: Benign. Last evaluated: 2013-02-08. Review status: criteria provided, single submitter. Criteria: ACMG Guidelines, 2007. Collection method: clinical testing. Allele origin: germline. Inheritance: Autosomal dominant inheritance.

Breakthrough Genomics
Classification: Benign. Review status: criteria provided, single submitter. Criteria: ACMG Guidelines, 2015. Collection method: not provided. Allele origin: germline. Inheritance: Autosomal dominant inheritance. Affected: yes.

PreventionGenetics, part of Exact Sciences
Classification: Benign. Review status: criteria provided, single submitter. Criteria: ACMG Guidelines, 2015. Collection method: clinical testing. Allele origin: germline.

ITMI
No classification provided. Condition: AllHighlyPenetrant. Last evaluated: 2013-09-19. Review status: no classification provided. Collection method: reference population. Allele origin: germline. Not counted in ClinVar's aggregate classification.
Comment: Please see associated publication for description of ethnicities

Literature cited by the submitters: PubMed 24728327 (cited by ITMI).